The following is an entry in ClinVar:

NM_018150.4(RNF220):c.756G>C (p.Ser252=)

Gene: RNF220 (ring finger protein 220; plus strand). Cytogenetic location: 1p34.1.
Variant type: single nucleotide variant.
Coding change: c.756G>C on transcript NM_018150.4 (MANE Select); coding-DNA position 756, G replaced by C.
Protein change: p.Ser252=; no amino-acid change (serine 252 retained).
Molecular consequence: synonymous variant.
Genome position (GRCh38, 1-based): chr1:44,614,295, G>C. VCF-style: chr1-44614295-G-C. GRCh37 (hg19) VCF-style: chr1-45079967-G-C.
Other names: c.756G>C, p.Ser252= (NM_001319956.1, NM_001376486.1, NM_001376487.1 and 1 more transcripts); c.39G>C, p.Ser13= (NM_001319957.2).
Identifiers: ClinVar variation 3354285 (VCV003354285.1).

ClinVar aggregate classification (germline): Likely benign (0 of 4 stars; one submission).

Conditions:
RNF220-related condition.

gnomAD v4.1: 3 of 1,613,498 alleles (0.00019%); highest among the groups gnomAD compares: African/African-American, 0.004%; no homozygotes.

Submission:

PreventionGenetics, part of Exact Sciences
Classification: Likely benign for RNF220-related condition. Last evaluated: 2024-04-03. Review status: no assertion criteria provided. Collection method: clinical testing. Allele origin: germline.
Comment: This variant is classified as likely benign based on ACMG/AMP sequence variant interpretation guidelines (Richards et al. 2015 PMID: 25741868, with internal and published modifications).